The following is an entry in ClinVar:

ClinVar aggregate classification (germline): Uncertain significance. Review status: criteria provided, multiple submitters, no conflicts (2 of 4 stars). 2 submissions from 2 submitters: Uncertain significance (2). Last evaluated 2025-03-13.

Conditions:
HUWE1-related disorder. Also called: HUWE1-related condition.

Allele frequency attached by ClinVar (database versions not stated): gnomAD exomes below 0.00001; ExAC 0.00002; ESP Exome Variant Server 0.00009.
gnomAD v4.1: 1 of 1,197,677 alleles (0.000083%); highest among the groups gnomAD compares: Non-Finnish European, 0.00011%; no homozygotes.

Submissions (2):

Labcorp Genetics (formerly Invitae), Labcorp
Classification: Uncertain significance. Last evaluated: 2025-03-13. Review status: criteria provided, single submitter. Criteria: Invitae Variant Classification Sherloc (09022015). Collection method: clinical testing. Allele origin: germline.
Comment: This sequence change replaces threonine, which is neutral and polar, with serine, which is neutral and polar, at codon 1941 of the HUWE1 protein (p.Thr1941Ser). This variant is present in population databases (rs369268123, gnomAD 0.003%). This variant has not been reported in the literature in individuals affected with HUWE1-related conditions. ClinVar contains an entry for this variant (Variation ID: 2629967). Invitae Evidence Modeling of protein sequence and biophysical properties (such as structural, functional, and spatial information, amino acid conservation, physicochemical variation, residue mobility, and thermodynamic stability) has been performed for this missense variant. However, the output from this modeling did not meet the statistical confidence thresholds required to predict the impact of this variant on HUWE1 protein function. In summary, the available evidence is currently insufficient to determine the role of this variant in disease. Therefore, it has been classified as a Variant of Uncertain Significance.

PreventionGenetics, part of Exact Sciences
Classification: Uncertain significance for HUWE1-related condition. Last evaluated: 2023-01-02. Review status: criteria provided, single submitter. Criteria: ACMG Guidelines, 2015. Collection method: clinical testing. Allele origin: germline.
Comment: The HUWE1 c.5822C>G variant is predicted to result in the amino acid substitution p.Thr1941Ser. To our knowledge, this variant has not been reported in the literature. This variant is reported in 0.0025% of alleles in individuals of European (Non-Finnish) descent in gnomAD. At this time, the clinical significance of this variant is uncertain due to the absence of conclusive functional and genetic evidence.

NM_031407.7(HUWE1):c.5822C>G (p.Thr1941Ser)

Gene: HUWE1 (HECT, UBA and WWE domain containing E3 ubiquitin protein ligase 1; minus strand). Cytogenetic location: Xp11.22.
Variant type: single nucleotide variant.
Coding change: c.5822C>G on transcript NM_031407.7 (MANE Select); coding-DNA position 5822, C replaced by G.
Protein change: p.Thr1941Ser; replaces threonine 1941 with serine.
Molecular consequence: missense variant.
Genome position (GRCh38, 1-based): chrX:53,576,962, G>C on the plus strand (C>G on the coding strand, the complement: HUWE1 is on the minus strand). VCF-style: chrX-53576962-G-C. GRCh37 (hg19) VCF-style: chrX-53603922-G-C.
Other names: short protein forms T1941S.
Identifiers: ClinVar variation 2629967 (VCV002629967.2), dbSNP rs369268123, ClinGen allele CA10422210.